The following is an entry in ClinVar:

NM_006415.4(SPTLC1):c.1259T>G (p.Met420Arg)

Gene: SPTLC1 (serine palmitoyltransferase long chain base subunit 1; minus strand). Cytogenetic location: 9q22.31.
Variant type: single nucleotide variant.
Coding change: c.1259T>G on transcript NM_006415.4 (MANE Select); coding-DNA position 1259, T replaced by G.
Protein change: p.Met420Arg; replaces methionine 420 with arginine.
Molecular consequence: missense variant.
Genome position (GRCh38, 1-based): chr9:92,034,879, A>C on the plus strand (T>G on the coding strand, the complement: SPTLC1 is on the minus strand). VCF-style: chr9-92034879-A-C. GRCh37 (hg19) VCF-style: chr9-94797161-A-C.
Other names: c.1259T>G, p.Met420Arg (NM_001281303.2); c.893T>G, p.Met298Arg (NM_001368272.1); c.794T>G, p.Met265Arg (NM_001368273.1); short protein forms M265R, M298R, M420R.
Identifiers: ClinVar variation 1008500 (VCV001008500.8), dbSNP rs376427329, ClinGen allele CA373789890.

ClinVar aggregate classification (germline): Uncertain significance (1 of 4 stars; one submission).

Conditions:
Hereditary sensory and autonomic neuropathy type 1 (HSAN1). Also called: HSAN 1; HSN Type I; Hereditary Sensory Neuropathy Type I. Identifiers: Orphanet 36386, MedGen C0020071, MONDO:0018213.

Submission:

Labcorp Genetics (formerly Invitae), Labcorp
Classification: Uncertain significance for Hereditary sensory and autonomic neuropathy type 1. Last evaluated: 2020-06-16. Review status: criteria provided, single submitter. Criteria: Invitae Variant Classification Sherloc (09022015). Collection method: clinical testing. Allele origin: germline.
Comment: In summary, the available evidence is currently insufficient to determine the role of this variant in disease. Therefore, it has been classified as a Variant of Uncertain Significance. Algorithms developed to predict the effect of sequence changes on RNA splicing suggest that this variant may create or strengthen a splice site, but this prediction has not been confirmed by published transcriptional studies. Algorithms developed to predict the effect of missense changes on protein structure and function are either unavailable or do not agree on the potential impact of this missense change (SIFT: "Deleterious"; PolyPhen-2: "Benign"; Align-GVGD: "Class C35"). This variant has not been reported in the literature in individuals with SPTLC1-related conditions. This variant is not present in population databases (ExAC no frequency). This sequence change replaces methionine with arginine at codon 420 of the SPTLC1 protein (p.Met420Arg). The methionine residue is weakly conserved and there is a moderate physicochemical difference between methionine and arginine.